The following is an entry in ClinVar:

ClinVar aggregate classification (germline): Uncertain significance (1 of 4 stars; one submission).

Conditions:
Inborn genetic diseases. Identifiers: MedGen C0950123, MeSH D030342.

gnomAD v4.1: 3 of 1,613,930 alleles (0.00019%); highest among the groups gnomAD compares: African/African-American, 0.0013%; no homozygotes.

Submission:

Ambry Genetics
Classification: Uncertain significance for Inborn genetic diseases. Last evaluated: 2024-06-30. Review status: criteria provided, single submitter. Criteria: Ambry Variant Classification Scheme 2023. Collection method: clinical testing. Allele origin: germline.
Comment: The p.G8E variant (also known as c.23G>A), located in coding exon 1 of the LRRK2 gene, results from a G to A substitution at nucleotide position 23. The glycine at codon 8 is replaced by glutamic acid, an amino acid with similar properties. This amino acid position is conserved. In addition, this alteration is predicted to be tolerated by in silico analysis. Based on the available evidence, the clinical significance of this variant remains unclear.

NM_198578.4(LRRK2):c.23G>A (p.Gly8Glu)

Gene: LRRK2 (leucine rich repeat kinase 2; plus strand). Cytogenetic location: 12q12.
Variant type: single nucleotide variant.
Coding change: c.23G>A on transcript NM_198578.4 (MANE Select); coding-DNA position 23, G replaced by A.
Protein change: p.Gly8Glu; replaces glycine 8 with glutamic acid.
Molecular consequence: missense variant.
Genome position (GRCh38, 1-based): chr12:40,225,154, G>A. VCF-style: chr12-40225154-G-A. GRCh37 (hg19) VCF-style: chr12-40618956-G-A.
Other names: short protein forms G8E.
Identifiers: ClinVar variation 3540560 (VCV003540560.1).